The following is an entry in ClinVar:

NM_002528.7(NTHL1):c.519C>G (p.Phe173Leu)

Gene: NTHL1 (nth like DNA glycosylase 1; minus strand). Cytogenetic location: 16p13.3.
Variant type: single nucleotide variant.
Coding change: c.519C>G on transcript NM_002528.7 (MANE Select); coding-DNA position 519, C replaced by G.
Protein change: p.Phe173Leu; replaces phenylalanine 173 with leucine.
Molecular consequence: missense variant. On other transcripts: intron variant (1).
Genome position (GRCh38, 1-based): chr16:2,044,636, G>C on the plus strand (C>G on the coding strand, the complement: NTHL1 is on the minus strand). VCF-style: chr16-2044636-G-C. GRCh37 (hg19) VCF-style: chr16-2094637-G-C.
Other names: c.189C>G, p.Phe63Leu (NM_001318194.2); c.355-910C>G (NM_001318193.2); short protein forms F63L, F173L.
Identifiers: ClinVar variation 2565696 (VCV002565696.2), dbSNP rs1401228518, ClinGen allele CA394294088.
Genomic context (GRCh38, chr16:2,044,636, plus strand): 5'-AGGTCTCTCTCAGGCCACTGCCACCCGGCCCCCGTTGCCACAGGCAGGGCTCACCCTCCA[G>C]AAACCGACGGGGTAGATGAGCTTGCCCAGCGTGGCATCATCTGTCTGCAGGATGCTGTCC-3'
Protein context (NP_002519.2, residues 163-183): TLGKLIYPVG[Phe173Leu]WRSKVKYIKQ

ClinVar aggregate classification (germline): Uncertain significance (1 of 4 stars; one submission).

Conditions:
Hereditary cancer-predisposing syndrome. Also called: Neoplastic Syndromes, Hereditary; Hereditary Cancer Syndrome; Hereditary neoplastic syndrome; Tumor predisposition. Identifiers: Orphanet 140162, MedGen C0027672, MeSH D009386, MONDO:0015356.

Submission:

Ambry Genetics
Classification: Uncertain significance for Hereditary cancer-predisposing syndrome. Last evaluated: 2023-04-26. Review status: criteria provided, single submitter. Criteria: Ambry Variant Classification Scheme 2023. Collection method: clinical testing. Allele origin: germline.
Comment: The p.F181L variant (also known as c.543C>G), located in coding exon 3 of the NTHL1 gene, results from a C to G substitution at nucleotide position 543. The phenylalanine at codon 181 is replaced by leucine, an amino acid with highly similar properties. This amino acid position is conserved. In addition, this alteration is predicted to be deleterious by in silico analysis. Since supporting evidence is limited at this time, the clinical significance of this alteration remains unclear.